The following is an entry in ClinVar:

NM_000059.4(BRCA2):c.1985C>T (p.Ser662Phe)

Gene: BRCA2 (BRCA2 DNA repair associated; plus strand). Cytogenetic location: 13q13.1.
Variant type: single nucleotide variant.
Coding change: c.1985C>T on transcript NM_000059.4 (MANE Select); coding-DNA position 1985, C replaced by T.
Protein change: p.Ser662Phe; replaces serine 662 with phenylalanine.
Molecular consequence: missense variant. On other transcripts: non-coding transcript variant (1), intron variant (2).
Genome position (GRCh38, 1-based): chr13:32,336,340, C>T. VCF-style: chr13-32336340-C-T. GRCh37 (hg19) VCF-style: chr13-32910477-C-T.
Other names: c.1985C>T, p.Ser662Phe (NM_001406719.1, NM_001406720.1); c.1909+2953C>T (NM_001406721.1); c.424+5310C>T (NM_001406722.1); short protein forms S662F.
Identifiers: ClinVar variation 2807280 (VCV002807280.3), dbSNP rs2548522934, ClinGen allele CA387768624.
Genomic context (GRCh38, chr13:32,336,340, plus strand): 5'-CTGTGAAAAGAAGCTGTTCACAGAATGATTCTGAAGAACCAACTTTGTCCTTAACTAGCT[C>T]TTTTGGGACAATTCTGAGGAAATGTTCTAGAAATGAAACATGTTCTAATAATACAGTAAT-3'
Protein context (NP_000050.3, residues 652-672): SEEPTLSLTS[Ser662Phe]FGTILRKCSR

ClinVar aggregate classification (germline): Uncertain significance (1 of 4 stars; one submission).

Conditions:
Hereditary breast ovarian cancer syndrome. Also called: Hereditary breast and ovarian cancer syndrome; Breast and ovarian cancer; BRCA1- and BRCA2-Associated Hereditary Breast and Ovarian Cancer; Hereditary breast and ovarian cancer syndrome (HBOC); Hereditary breast and/or ovarian cancer syndrome; Hereditary breast and ovarian cancer. Identifiers: Orphanet 145, MedGen C0677776, MeSH D061325, MONDO:0003582. Disease mechanism: loss of function.

Submission:

Labcorp Genetics (formerly Invitae), Labcorp
Classification: Uncertain significance for Hereditary breast ovarian cancer syndrome. Last evaluated: 2025-07-23. Review status: criteria provided, single submitter. Criteria: Invitae Variant Classification Sherloc (09022015). Collection method: clinical testing. Allele origin: germline.
Comment: This sequence change replaces serine, which is neutral and polar, with phenylalanine, which is neutral and non-polar, at codon 662 of the BRCA2 protein (p.Ser662Phe). This variant is not present in population databases (gnomAD no frequency). This variant has not been reported in the literature in individuals affected with BRCA2-related conditions. ClinVar contains an entry for this variant (Variation ID: 2807280). Invitae Evidence Modeling of protein sequence and biophysical properties (such as structural, functional, and spatial information, amino acid conservation, physicochemical variation, residue mobility, and thermodynamic stability) indicates that this missense variant is not expected to disrupt BRCA2 protein function with a negative predictive value of 95%. In summary, the available evidence is currently insufficient to determine the role of this variant in disease. Therefore, it has been classified as a Variant of Uncertain Significance.